The following is an entry in ClinVar:

NM_014915.3(ANKRD26):c.731C>A (p.Ser244Tyr)

Gene: ANKRD26 (ankyrin repeat domain 26; minus strand). Cytogenetic location: 10p12.1.
Variant type: single nucleotide variant.
Coding change: c.731C>A on transcript NM_014915.3 (MANE Select); coding-DNA position 731, C replaced by A.
Protein change: p.Ser244Tyr; replaces serine 244 with tyrosine.
Molecular consequence: missense variant.
Genome position (GRCh38, 1-based): chr10:27,082,812, G>T on the plus strand (C>A on the coding strand, the complement: ANKRD26 is on the minus strand). VCF-style: chr10-27082812-G-T. GRCh37 (hg19) VCF-style: chr10-27371741-G-T.
Other names: c.731C>A, p.Ser244Tyr (NM_001256053.2); short protein forms S244Y.
Identifiers: ClinVar variation 4699974 (VCV004699974.1).

ClinVar aggregate classification (germline): Uncertain significance (1 of 4 stars; one submission).

Submission:

Labcorp Genetics (formerly Invitae), Labcorp
Classification: Uncertain significance. Last evaluated: 2025-02-25. Review status: criteria provided, single submitter. Criteria: Invitae Variant Classification Sherloc (09022015). Collection method: clinical testing. Allele origin: germline.
Comment: This sequence change replaces serine, which is neutral and polar, with tyrosine, which is neutral and polar, at codon 244 of the ANKRD26 protein (p.Ser244Tyr). This variant is not present in population databases (gnomAD no frequency). This variant has not been reported in the literature in individuals affected with ANKRD26-related conditions. An algorithm developed to predict the effect of missense changes on protein structure and function (PolyPhen-2) suggests that this variant is likely to be disruptive. In summary, the available evidence is currently insufficient to determine the role of this variant in disease. Therefore, it has been classified as a Variant of Uncertain Significance.